The following is an entry in ClinVar:

NM_022168.4(IFIH1):c.221G>A (p.Gly74Asp)

Gene: IFIH1 (interferon induced with helicase C domain 1; minus strand). Cytogenetic location: 2q24.2.
Variant type: single nucleotide variant.
Coding change: c.221G>A on transcript NM_022168.4 (MANE Select); coding-DNA position 221, G replaced by A.
Protein change: p.Gly74Asp; replaces glycine 74 with aspartic acid.
Molecular consequence: missense variant.
Genome position (GRCh38, 1-based): chr2:162,318,087, C>T on the plus strand (G>A on the coding strand, the complement: IFIH1 is on the minus strand). VCF-style: chr2-162318087-C-T. GRCh37 (hg19) VCF-style: chr2-163174597-C-T.
Other names: short protein forms G74D.
Identifiers: ClinVar variation 1063543 (VCV001063543.9), dbSNP rs765738865, ClinGen allele CA1934879.

ClinVar aggregate classification (germline): Uncertain significance (1 of 4 stars; one submission).

Conditions:
Singleton-Merten syndrome 1 (SGMRT1). Also called: Widened medullary cavities of bone, aortic calcification, abnormal dentition, and muscular weakness; Syndrome of widened medullary cavities of the metacarpals and phalanges, aortic calcification and abnormal dentition. Identifiers: Orphanet 85191, MedGen C4225427, MONDO:0024535, OMIM 182250.
Aicardi-Goutieres syndrome 7 (AGS7). Identifiers: Orphanet 51, MedGen C3888244, MONDO:0014367, OMIM 615846.

Allele frequency attached by ClinVar (database versions not stated): ExAC 0.00001; gnomAD 0.00001.
gnomAD v4.1: 11 of 1,614,086 alleles (0.00068%); highest among the groups gnomAD compares: South Asian, 0.012%; no homozygotes.

Submission:

Labcorp Genetics (formerly Invitae), Labcorp
Classification: Uncertain significance for Aicardi-Goutieres syndrome 7; Singleton-Merten syndrome 1. Last evaluated: 2024-02-21. Review status: criteria provided, single submitter. Criteria: Invitae Variant Classification Sherloc (09022015). Collection method: clinical testing. Allele origin: germline.
Comment: This sequence change replaces glycine, which is neutral and non-polar, with aspartic acid, which is acidic and polar, at codon 74 of the IFIH1 protein (p.Gly74Asp). This variant is present in population databases (rs765738865, gnomAD 0.003%). This variant has not been reported in the literature in individuals affected with IFIH1-related conditions. ClinVar contains an entry for this variant (Variation ID: 1063543). Advanced modeling of protein sequence and biophysical properties (such as structural, functional, and spatial information, amino acid conservation, physicochemical variation, residue mobility, and thermodynamic stability) has been performed at Invitae for this missense variant, however the output from this modeling did not meet the statistical confidence thresholds required to predict the impact of this variant on IFIH1 protein function. In summary, the available evidence is currently insufficient to determine the role of this variant in disease. Therefore, it has been classified as a Variant of Uncertain Significance.